The following is an entry in ClinVar:

NM_001363711.2(DUOX2):c.1601A>T (p.Asp534Val)

Gene: DUOX2 (dual oxidase 2; minus strand). Cytogenetic location: 15q21.1.
Variant type: single nucleotide variant.
Coding change: c.1601A>T on transcript NM_001363711.2 (MANE Select); coding-DNA position 1601, A replaced by T.
Protein change: p.Asp534Val; replaces aspartic acid 534 with valine.
Molecular consequence: missense variant.
Genome position (GRCh38, 1-based): chr15:45,107,437, T>A on the plus strand (A>T on the coding strand, the complement: DUOX2 is on the minus strand). VCF-style: chr15-45107437-T-A. GRCh37 (hg19) VCF-style: chr15-45399635-T-A.
Other names: c.1601A>T, p.Asp534Val (NM_014080.5); short protein forms D534V.
Identifiers: ClinVar variation 1479830 (VCV001479830.6), dbSNP rs976407112, ClinGen allele CA270130259.

ClinVar aggregate classification (germline): Uncertain significance (1 of 4 stars; one submission).

Allele frequency attached by ClinVar (database versions not stated): gnomAD exomes below 0.00001.
gnomAD v4.1: 3 of 1,614,202 alleles (0.00019%); highest among the groups gnomAD compares: African/African-American, 0.0013%; no homozygotes.

Submission:

Labcorp Genetics (formerly Invitae), Labcorp
Classification: Uncertain significance. Last evaluated: 2024-09-24. Review status: criteria provided, single submitter. Criteria: Invitae Variant Classification Sherloc (09022015). Collection method: clinical testing. Allele origin: germline.
Comment: This sequence change replaces aspartic acid, which is acidic and polar, with valine, which is neutral and non-polar, at codon 534 of the DUOX2 protein (p.Asp534Val). This variant is not present in population databases (gnomAD no frequency). This variant has not been reported in the literature in individuals affected with DUOX2-related conditions. ClinVar contains an entry for this variant (Variation ID: 1479830). Invitae Evidence Modeling of protein sequence and biophysical properties (such as structural, functional, and spatial information, amino acid conservation, physicochemical variation, residue mobility, and thermodynamic stability) indicates that this missense variant is not expected to disrupt DUOX2 protein function with a negative predictive value of 80%. In summary, the available evidence is currently insufficient to determine the role of this variant in disease. Therefore, it has been classified as a Variant of Uncertain Significance.